The following is an entry in ClinVar:

ClinVar aggregate classification (germline): Uncertain significance (1 of 4 stars; one submission).

Conditions:
Isolated microphthalmia 5. Also called: Posterior Microphthalmia with Retinitis Pigmentosa, Foveoschisis, and Optic Disc Drusen. Identifiers: Orphanet 251279, MedGen C1970236, MONDO:0012605, OMIM 611040.

gnomAD v4.1: 14 of 1,612,168 alleles (0.00087%); highest among the groups gnomAD compares: Admixed American, 0.0017%; no homozygotes.

Submission:

Labcorp Genetics (formerly Invitae), Labcorp
Classification: Uncertain significance for Isolated microphthalmia 5. Last evaluated: 2026-01-13. Review status: criteria provided, single submitter. Criteria: Invitae Variant Classification Sherloc (09022015). Collection method: clinical testing. Allele origin: germline.
Comment: This sequence change replaces glycine, which is neutral and non-polar, with serine, which is neutral and polar, at codon 245 of the MFRP protein (p.Gly245Ser). This variant is present in population databases (no rsID available, gnomAD 0.003%). This variant has not been reported in the literature in individuals affected with MFRP-related conditions. Invitae Evidence Modeling of protein sequence and biophysical properties (such as structural, functional, and spatial information, amino acid conservation, physicochemical variation, residue mobility, and thermodynamic stability) indicates that this missense variant is expected to disrupt MFRP protein function with a positive predictive value of 80%. In summary, the available evidence is currently insufficient to determine the role of this variant in disease. Therefore, it has been classified as a Variant of Uncertain Significance.

NM_031433.4(MFRP):c.733G>A (p.Gly245Ser)

Genes: C1QTNF5 (C1q and TNF related 5; minus strand), MFRP (membrane frizzled-related protein; minus strand). Cytogenetic location: 11q23.3.
Variant type: single nucleotide variant.
Coding change: c.733G>A on transcript NM_031433.4 (MANE Select); coding-DNA position 733, G replaced by A.
Protein change: p.Gly245Ser; replaces glycine 245 with serine.
Molecular consequence: missense variant. On other transcripts: 5 prime UTR variant (1).
Genome position (GRCh38, 1-based): chr11:119,344,913, C>T on the plus strand (G>A on the coding strand, the complement: MFRP is on the minus strand). VCF-style: chr11-119344913-C-T. GRCh37 (hg19) VCF-style: chr11-119215623-C-T.
Other names: c.-1904G>A (NM_015645.5); short protein forms G245S.
Identifiers: ClinVar variation 4812293 (VCV004812293.1).
Genomic context (GRCh38, chr11:119,344,913, plus strand): 5'-GGCAGGTGGGAACACACTCACCGCGCCCAGGGGCCATAGCCTGGTACCAGGCATGGAAAC[C>T]AAATCCTTCCACACTGCTGTCAGAGACGAAGACCACCAGGAGGTGGCTGGCATTGGTGTT-3'
Protein context (NP_113621.1, residues 235-255): FVSDSSVEGF[Gly245Ser]FHAWYQAMAP